The following is an entry in ClinVar:

NM_000400.4(ERCC2):c.730A>C (p.Ile244Leu)

Gene: ERCC2 (ERCC excision repair 2, TFIIH core complex helicase subunit; minus strand). Cytogenetic location: 19q13.32.
Variant type: single nucleotide variant.
Coding change: c.730A>C on transcript NM_000400.4 (MANE Select); coding-DNA position 730, A replaced by C.
Protein change: p.Ile244Leu; replaces isoleucine 244 with leucine.
Molecular consequence: missense variant.
Genome position (GRCh38, 1-based): chr19:45,364,320, T>G on the plus strand (A>C on the coding strand, the complement: ERCC2 is on the minus strand). VCF-style: chr19-45364320-T-G. GRCh37 (hg19) VCF-style: chr19-45867578-T-G.
Other names: c.658A>C, p.Ile220Leu (NM_001130867.2); short protein forms I220L, I244L.
Identifiers: ClinVar variation 1758233 (VCV001758233.2), dbSNP rs1276618779, ClinGen allele CA406374222.

ClinVar aggregate classification (germline): Uncertain significance (1 of 4 stars; one submission).

Conditions:
Inborn genetic diseases. Identifiers: MedGen C0950123, MeSH D030342.

Allele frequency attached by ClinVar (database versions not stated): gnomAD 0.00001.
gnomAD v4.1: 1 of 1,613,850 alleles (0.000062%); no homozygotes.

Submission:

Ambry Genetics
Classification: Uncertain significance for Inborn genetic diseases. Last evaluated: 2021-08-14. Review status: criteria provided, single submitter. Criteria: Ambry Variant Classification Scheme 2023. Collection method: clinical testing. Allele origin: germline.
Comment: The p.I244L variant (also known as c.730A>C), located in coding exon 9 of the ERCC2 gene, results from an A to C substitution at nucleotide position 730. The isoleucine at codon 244 is replaced by leucine, an amino acid with highly similar properties. This amino acid position is conserved. In addition, the in silico prediction for this alteration is inconclusive. Since supporting evidence is limited at this time, the clinical significance of this alteration remains unclear.